The following is an entry in ClinVar:

ClinVar aggregate classification (germline): Likely benign (1 of 4 stars; one submission).

Conditions:
Hereditary breast ovarian cancer syndrome. Also called: Hereditary breast and/or ovarian cancer syndrome; BRCA1- and BRCA2-Associated Hereditary Breast and Ovarian Cancer; Hereditary breast and ovarian cancer syndrome; Hereditary breast and ovarian cancer; Hereditary breast and ovarian cancer syndrome (HBOC); Breast and ovarian cancer. Identifiers: Orphanet 145, MedGen C0677776, MeSH D061325, MONDO:0003582. Disease mechanism: loss of function.

Submissions (2):

Labcorp Genetics (formerly Invitae), Labcorp
Classification: Likely benign for Hereditary breast ovarian cancer syndrome. Last evaluated: 2023-07-07. Review status: criteria provided, single submitter. Criteria: Invitae Variant Classification Sherloc (09022015). Collection method: clinical testing. Allele origin: germline.

Brotman Baty Institute, University of Washington
No classification provided (evidence only). Condition: Breast-ovarian cancer, familial 1. Review status: no classification provided. Collection method: in vitro. Allele origin: not applicable. Functional consequence: functionally_normal. Not counted in ClinVar's aggregate classification.
ClinVar note: "not provided" was previously submitted as the classification for the variant. However, the classification appeared to be based only on an observation of functional data so it was converted to no classification on 2025-07-30.

NM_007294.4(BRCA1):c.5278-9T>C

Gene: BRCA1 (BRCA1 DNA repair associated; minus strand). Cytogenetic location: 17q21.31.
Variant type: single nucleotide variant.
Coding change: c.5278-9T>C on transcript NM_007294.4 (MANE Select); 9 bases into the intron before coding-DNA position 5278, T replaced by C.
Molecular consequence: intron variant.
Genome position (GRCh38, 1-based): chr17:43,051,126, A>G on the plus strand (T>C on the coding strand, the complement: BRCA1 is on the minus strand). VCF-style: chr17-43051126-A-G. GRCh37 (hg19) VCF-style: chr17-41203143-A-G.
Other names: c.1825-9T>C (NM_001408458.1, NM_001408461.1, NM_001408464.1 and 7 more transcripts); c.4387-9T>C (NM_001407967.1); c.4897-9T>C (NM_001407959.1); c.5011-9T>C (NM_001407931.1, NM_001407932.1, NM_001407928.1 and 4 more transcripts); c.5134-9T>C (NM_001407747.1, NM_001407745.1, NM_001407737.1 and 21 more transcripts); c.4894-9T>C (NM_001407962.1, NM_001407960.1); c.1465-9T>C (NM_001408512.1); c.1588-9T>C (NM_001408510.1); and 74 more.
Identifiers: ClinVar variation 865256 (VCV000865256.6), dbSNP rs2051216712, ClinGen allele CA916081067.